The following is an entry in ClinVar:

ClinVar aggregate classification (germline): Conflicting classifications of pathogenicity. Review status: criteria provided, conflicting classifications (1 of 4 stars). 3 submissions from 3 submitters: Uncertain significance (1); Likely benign (2). Last evaluated 2025-11-12.

Conditions:
Cardiomyopathy (CMYO). Also called: Cardiomyopathies. Identifiers: Orphanet 167848, MedGen C0878544, MONDO:0004994, HP:0001638. Inheritance: Various modes of inheritance.
Hypertrophic cardiomyopathy. Also called: HYPERTROPHIC MYOCARDIOPATHY. Identifiers: Orphanet 217569, MedGen C0007194, MeSH D002312, MONDO:0005045, HP:0001639.

Allele frequency attached by ClinVar (database versions not stated): gnomAD exomes below 0.00001; ExAC 0.00001.
gnomAD v4.1: 2 of 1,604,812 alleles (0.00012%); highest among the groups gnomAD compares: Non-Finnish European, 0.000085%; no homozygotes.

Submissions (3):

Labcorp Genetics (formerly Invitae), Labcorp
Classification: Likely benign for Hypertrophic cardiomyopathy. Last evaluated: 2025-11-12. Review status: criteria provided, single submitter. Criteria: Invitae Variant Classification Sherloc (09022015). Collection method: clinical testing. Allele origin: germline.

All of Us Research Program, National Institutes of Health
Classification: Uncertain significance for Hypertrophic cardiomyopathy. Last evaluated: 2023-05-04. Review status: criteria provided, single submitter. Criteria: ACMG Guidelines, 2015. Collection method: clinical testing. Allele origin: germline. Inheritance: Autosomal dominant inheritance. Observed: 1 variant allele, 1 heterozygote.
Comment: This study involves interpretation of variants in research participants for the purpose of population health screening. Participant phenotype was not available at the time of variant classification. Additional details can be found in publication PMID: 35346344, PMCID: PMC8962531

Color Diagnostics, LLC DBA Color Health
Classification: Likely benign for Cardiomyopathy. Last evaluated: 2023-05-04. Review status: criteria provided, single submitter. Criteria: ACMG Guidelines, 2015. Collection method: clinical testing. Allele origin: germline.

NM_000256.3(MYBPC3):c.2149-9C>T

Gene: MYBPC3 (myosin binding protein C3; minus strand). Cytogenetic location: 11p11.2.
Variant type: single nucleotide variant.
Coding change: c.2149-9C>T on transcript NM_000256.3 (MANE Select); 9 bases into the intron before coding-DNA position 2149, C replaced by T.
Molecular consequence: intron variant.
Genome position (GRCh38, 1-based): chr11:47,338,688, G>A on the plus strand (C>T on the coding strand, the complement: MYBPC3 is on the minus strand). VCF-style: chr11-47338688-G-A. GRCh37 (hg19) VCF-style: chr11-47360239-G-A.
Identifiers: ClinVar variation 1635688 (VCV001635688.10), dbSNP rs773882783, ClinGen allele CA078554.